The following is an entry in ClinVar:

ClinVar aggregate classification (germline): Likely pathogenic (1 of 4 stars; one submission).

Conditions:
Arrhythmogenic right ventricular dysplasia 11. Also called: Arrhythmogenic Right Ventricular Dysplasia/Cardiomyopathy11; ARRHYTHMOGENIC RIGHT VENTRICULAR DYSPLASIA, FAMILIAL, 11; Arrhythmogenic right ventricular dysplasia 11 with mild palmoplantar keratoderma and woolly hair. Identifiers: MedGen C1864850, MONDO:0012506, OMIM 610476.

Submission:

Labcorp Genetics (formerly Invitae), Labcorp
Classification: Likely pathogenic for Arrhythmogenic right ventricular dysplasia 11. Last evaluated: 2020-06-11. Review status: criteria provided, single submitter. Criteria: Invitae Variant Classification Sherloc (09022015). Collection method: clinical testing. Allele origin: germline.
Comment: This variant is not present in population databases (ExAC no frequency). This sequence change affects a donor splice site in intron 4 of the DSC2 gene. It is expected to disrupt RNA splicing and likely results in an absent or disrupted protein product. This variant has not been reported in the literature in individuals with DSC2-related conditions. In summary, the currently available evidence indicates that the variant is pathogenic, but additional data are needed to prove that conclusively. Therefore, this variant has been classified as Likely Pathogenic. Donor and acceptor splice site variants typically lead to a loss of protein function (PMID: 16199547), and loss-of-function variants in DSC2 are known to be pathogenic (PMID: 23911551). Algorithms developed to predict the effect of sequence changes on RNA splicing suggest that this variant may disrupt the consensus splice site, but this prediction has not been confirmed by published transcriptional studies.

Literature cited by the submitters: PubMed 16199547; PubMed 23911551.

NM_024422.6(DSC2):c.474+1G>T

Gene: DSC2 (desmocollin 2; minus strand). Cytogenetic location: 18q12.1.
Variant type: single nucleotide variant.
Coding change: c.474+1G>T on transcript NM_024422.6 (MANE Select); the canonical splice donor site of the intron after coding-DNA position 474, G replaced by T.
Molecular consequence: splice donor variant.
Genome position (GRCh38, 1-based): chr18:31,091,027, C>A on the plus strand (G>T on the coding strand, the complement: DSC2 is on the minus strand). VCF-style: chr18-31091027-C-A. GRCh37 (hg19) VCF-style: chr18-28670990-C-A.
Other names: c.474+1G>T (NM_004949.5); c.45+1G>T (NM_001406506.1, NM_001406507.1).
Identifiers: ClinVar variation 1067443 (VCV001067443.7), dbSNP rs2144842978, ClinGen allele CA402114020.
Genomic context (GRCh38, chr18:31,091,027, plus strand): 5'-TGTCATAATGGTAAGAGATGGAAACTATAGACTCCCACAGCAGAAAGAAAGAAAACGGTA[C>A]CTGTTGAAGGAAAAGTGGAAAAGGACCCAAGGAGTTTTCTAGCATCGAACAAGGAATTGG-3'